The following is an entry in ClinVar:

NM_004304.5(ALK):c.3937T>C (p.Trp1313Arg)

Gene: ALK (ALK receptor tyrosine kinase; minus strand). Cytogenetic location: 2p23.2.
Variant type: single nucleotide variant.
Coding change: c.3937T>C on transcript NM_004304.5 (MANE Select); coding-DNA position 3937, T replaced by C.
Protein change: p.Trp1313Arg; replaces tryptophan 1313 with arginine.
Molecular consequence: missense variant.
Genome position (GRCh38, 1-based): chr2:29,207,172, A>G on the plus strand (T>C on the coding strand, the complement: ALK is on the minus strand). VCF-style: chr2-29207172-A-G. GRCh37 (hg19) VCF-style: chr2-29430038-A-G.
Other names: c.733T>C, p.Trp245Arg (NM_001353765.2); c.3937T>C (NM_004304.4); short protein forms W1313R, W245R.
Identifiers: ClinVar variation 1002785 (VCV001002785.9), dbSNP rs1669333264, ClinGen allele CA346468437.

ClinVar aggregate classification (germline): Uncertain significance. Review status: criteria provided, multiple submitters, no conflicts (2 of 4 stars). 2 submissions from 2 submitters: Uncertain significance (2). Last evaluated 2025-06-01.

Conditions:
Neuroblastoma, susceptibility to, 3. Also called: ALK-Related Neuroblastic Tumor Susceptibility. Identifiers: Orphanet 635, MedGen C2751681, MONDO:0013083, OMIM 613014.
Hereditary cancer-predisposing syndrome. Also called: Hereditary neoplastic syndrome; Neoplastic Syndromes, Hereditary; Tumor predisposition; Hereditary Cancer Syndrome. Identifiers: Orphanet 140162, MedGen C0027672, MeSH D009386, MONDO:0015356.

Submissions (2):

Ambry Genetics
Classification: Uncertain significance for Hereditary cancer-predisposing syndrome. Last evaluated: 2025-06-01. Review status: criteria provided, single submitter. Criteria: Ambry Variant Classification Scheme 2023. Collection method: clinical testing. Allele origin: germline.
Comment: The p.W1313R variant (also known as c.3937T>C), located in coding exon 26 of the ALK gene, results from a T to C substitution at nucleotide position 3937. The tryptophan at codon 1313 is replaced by arginine, an amino acid with dissimilar properties. This amino acid position is conserved. In addition, this alteration is predicted to be deleterious by in silico analysis. Based on the available evidence, the clinical significance of this variant remains unclear.

Labcorp Genetics (formerly Invitae), Labcorp
Classification: Uncertain significance for Neuroblastoma, susceptibility to, 3. Last evaluated: 2020-08-23. Review status: criteria provided, single submitter. Criteria: Invitae Variant Classification Sherloc (09022015). Collection method: clinical testing. Allele origin: germline.
Comment: This sequence change replaces tryptophan with arginine at codon 1313 of the ALK protein (p.Trp1313Arg). The tryptophan residue is highly conserved and there is a moderate physicochemical difference between tryptophan and arginine. This variant is not present in population databases (ExAC no frequency). This variant has not been reported in the literature in individuals with ALK-related conditions. Algorithms developed to predict the effect of missense changes on protein structure and function are either unavailable or do not agree on the potential impact of this missense change (SIFT: "Deleterious"; PolyPhen-2: "Probably Damaging"; Align-GVGD: "Class C0"). In summary, the available evidence is currently insufficient to determine the role of this variant in disease. Therefore, it has been classified as a Variant of Uncertain Significance.